The following is an entry in ClinVar:

ClinVar aggregate classification (germline): Uncertain significance (1 of 4 stars; one submission).

Conditions:
Maturity-onset diabetes of the young (MODY). Also called: Maturity onset diabetes mellitus in young. Identifiers: Orphanet 552, MedGen C0342276, MONDO:0018911, HP:0004904.

Submission:

Ambry Genetics
Classification: Uncertain significance for Maturity-onset diabetes of the young. Last evaluated: 2015-11-27. Review status: criteria provided, single submitter. Criteria: Ambry Variant Classification Scheme 2023. Collection method: clinical testing. Allele origin: germline.
Comment: The p.G69S variant (also known as c.205G>A), located in coding exon 1 of the HNF1A gene, results from a G to A substitution at nucleotide position 205. The glycine at codon 69 is replaced by serine, an amino acid with similar properties. This variant was not reported in population based cohorts in the following databases: Database of Single Nucleotide Polymorphisms (dbSNP), NHLBI Exome Sequencing Project (ESP), and 1000 Genomes Project. In the ESP, this variant was not observed in 6493 samples (12986 alleles) with coverage at this position. This amino acid position is not well conserved in available vertebrate species. In addition, the in silico prediction for this alteration is inconclusive. Since supporting evidence is limited at this time, the clinical significance of this variant remains unclear.

NM_000545.8(HNF1A):c.205G>A (p.Gly69Ser)

Gene: HNF1A (HNF1 homeobox A; plus strand). Cytogenetic location: 12q24.31.
Variant type: single nucleotide variant.
Coding change: c.205G>A on transcript NM_000545.8 (MANE Select); coding-DNA position 205, G replaced by A.
Protein change: p.Gly69Ser; replaces glycine 69 with serine.
Molecular consequence: missense variant.
Genome position (GRCh38, 1-based): chr12:120,978,973, G>A. VCF-style: chr12-120978973-G-A. GRCh37 (hg19) VCF-style: chr12-121416776-G-A.
Other names: c.205G>A, p.Gly69Ser (NM_001306179.2, NM_001406915.1); short protein forms G69S.
Identifiers: ClinVar variation 1785204 (VCV001785204.2), dbSNP rs2499973790, ClinGen allele CA386953687.